The following is an entry in ClinVar:

ClinVar aggregate classification (germline): Uncertain significance (1 of 4 stars; one submission).

Allele frequency attached by ClinVar (database versions not stated): gnomAD exomes below 0.00001; TOPMed below 0.00001; ExAC 0.00001.
gnomAD v4.1: 1 of 1,607,784 alleles (0.000062%); highest among the groups gnomAD compares: Admixed American, 0.0017%; no homozygotes.

Submission:

Labcorp Genetics (formerly Invitae), Labcorp
Classification: Uncertain significance. Last evaluated: 2024-10-10. Review status: criteria provided, single submitter. Criteria: Invitae Variant Classification Sherloc (09022015). Collection method: clinical testing. Allele origin: germline.
Comment: This sequence change falls in intron 22 of the GUCY2C gene. It does not directly change the encoded amino acid sequence of the GUCY2C protein. It affects a nucleotide within the consensus splice site. This variant is present in population databases (rs756299908, gnomAD 0.003%). This variant has not been reported in the literature in individuals affected with GUCY2C-related conditions. ClinVar contains an entry for this variant (Variation ID: 1919771). Variants that disrupt the consensus splice site are a relatively common cause of aberrant splicing (PMID: 17576681, 9536098). Algorithms developed to predict the effect of sequence changes on RNA splicing suggest that this variant is not likely to affect RNA splicing. In summary, the available evidence is currently insufficient to determine the role of this variant in disease. Therefore, it has been classified as a Variant of Uncertain Significance.

Literature cited by the submitters: PubMed 17576681; PubMed 9536098.

NM_004963.4(GUCY2C):c.2602-3C>T

Gene: GUCY2C (guanylate cyclase 2C; minus strand). Cytogenetic location: 12p12.3.
Variant type: single nucleotide variant.
Coding change: c.2602-3C>T on transcript NM_004963.4 (MANE Select); 3 bases into the intron before coding-DNA position 2602, C replaced by T.
Molecular consequence: intron variant.
Genome position (GRCh38, 1-based): chr12:14,621,219, G>A on the plus strand (C>T on the coding strand, the complement: GUCY2C is on the minus strand). VCF-style: chr12-14621219-G-A. GRCh37 (hg19) VCF-style: chr12-14774153-G-A.
Identifiers: ClinVar variation 1919771 (VCV001919771.5), dbSNP rs756299908, ClinGen allele CA6463025.
Genomic context (GRCh38, chr12:14,621,219, plus strand): 5'-TGCCATTTCTCTTAGGCAAACCACTAGCCACCATGTACGCATCACCGATGGTTTCCACCT[G>A]TGGAAACAGTTTCTCATGAGTGCCTCTGCCCCTTTGAAAAGTATAGAAAGTAAACAGAAG-3'